The following is an entry in ClinVar:

NM_000143.4(FH):c.1237-13C>T

Gene: FH (fumarate hydratase; minus strand). Cytogenetic location: 1q43.
Variant type: single nucleotide variant.
Coding change: c.1237-13C>T on transcript NM_000143.4 (MANE Select); 13 bases into the intron before coding-DNA position 1237, C replaced by T.
Molecular consequence: intron variant.
Genome position (GRCh38, 1-based): chr1:241,500,603, G>A on the plus strand (C>T on the coding strand, the complement: FH is on the minus strand). VCF-style: chr1-241500603-G-A. GRCh37 (hg19) VCF-style: chr1-241663903-G-A.
Identifiers: ClinVar variation 506563 (VCV000506563.1), dbSNP rs752468689, ClinGen allele CA1478496.

ClinVar aggregate classification (germline): Likely benign (1 of 4 stars; one submission).

Allele frequency attached by ClinVar (database versions not stated): gnomAD exomes 0.07865; ExAC 0.00064.

Submission:

GeneDx
Classification: Likely benign. Last evaluated: 2017-11-27. Review status: criteria provided, single submitter. Criteria: GeneDx Variant Classification (06012015). Collection method: clinical testing. Allele origin: germline. Affected: yes.
Comment: This variant is considered likely benign or benign based on one or more of the following criteria: it is a conservative change, it occurs at a poorly conserved position in the protein, it is predicted to be benign by multiple in silico algorithms, and/or has population frequency not consistent with disease.